The following is an entry in ClinVar:

ClinVar aggregate classification (germline): Uncertain significance. Review status: criteria provided, multiple submitters, no conflicts (2 of 4 stars). 2 submissions from 2 submitters: Uncertain significance (2). Last evaluated 2025-02-26.

Conditions:
Intellectual developmental disorder, autosomal dominant 1. Also called: MBD5 Haploinsufficiency; Intellectual disability, autosomal dominant 1. Identifiers: Orphanet 228402, MedGen C1969562, MONDO:0007974, OMIM 156200.
Inborn genetic diseases. Identifiers: MedGen C0950123, MeSH D030342.

Submissions (2):

Ambry Genetics
Classification: Uncertain significance for Inborn genetic diseases. Last evaluated: 2025-02-26. Review status: criteria provided, single submitter. Criteria: Ambry Variant Classification Scheme 2023. Collection method: clinical testing. Allele origin: germline.

Labcorp Genetics (formerly Invitae), Labcorp
Classification: Uncertain significance for Intellectual developmental disorder, autosomal dominant 1. Last evaluated: 2024-03-15. Review status: criteria provided, single submitter. Criteria: Invitae Variant Classification Sherloc (09022015). Collection method: clinical testing. Allele origin: germline.
Comment: This sequence change replaces arginine, which is basic and polar, with threonine, which is neutral and polar, at codon 1162 of the MBD5 protein (p.Arg1162Thr). This variant is not present in population databases (gnomAD no frequency). This variant has not been reported in the literature in individuals affected with MBD5-related conditions. Experimental studies and prediction algorithms are not available or were not evaluated, and the functional significance of this variant is currently unknown. In summary, the available evidence is currently insufficient to determine the role of this variant in disease. Therefore, it has been classified as a Variant of Uncertain Significance.

NM_001378120.1(MBD5):c.4184G>C (p.Arg1395Thr)

Gene: MBD5 (methyl-CpG binding domain protein 5; plus strand). Cytogenetic location: 2q23.1.
Variant type: single nucleotide variant.
Coding change: c.4184G>C on transcript NM_001378120.1 (MANE Select); coding-DNA position 4184, G replaced by C.
Protein change: p.Arg1395Thr; replaces arginine 1395 with threonine.
Molecular consequence: missense variant.
Genome position (GRCh38, 1-based): chr2:148,489,816, G>C. VCF-style: chr2-148489816-G-C. GRCh37 (hg19) VCF-style: chr2-149247385-G-C.
Other names: c.3485G>C, p.Arg1162Thr (NM_018328.5); c.3485G>C (NM_018328.4); short protein forms R1162T, R1395T.
Identifiers: ClinVar variation 3646102 (VCV003646102.3).